The following is an entry in ClinVar:

NM_012210.4(TRIM32):c.1139C>G (p.Thr380Ser)

Genes: ASTN2 (astrotactin 2; minus strand), TRIM32 (tripartite motif containing 32; plus strand). Cytogenetic location: 9q33.1.
Variant type: single nucleotide variant.
Coding change: c.1139C>G on transcript NM_012210.4 (MANE Select); coding-DNA position 1139, C replaced by G.
Protein change: p.Thr380Ser; replaces threonine 380 with serine.
Molecular consequence: missense variant. On other transcripts: intron variant (3).
Genome position (GRCh38, 1-based): chr9:116,698,881, C>G. VCF-style: chr9-116698881-C-G. GRCh37 (hg19) VCF-style: chr9-119461160-C-G.
Other names: c.1139C>G, p.Thr380Ser (NM_001099679.2, NM_001379048.1, NM_001379049.1 and 1 more transcripts); c.2653+26890G>C (NM_014010.5); c.2794+26890G>C (NM_001365069.1); c.2806+26890G>C (NM_001365068.1); short protein forms T380S.
Identifiers: ClinVar variation 1038387 (VCV001038387.7), dbSNP rs139277710, ClinGen allele CA5211107.

ClinVar aggregate classification (germline): Uncertain significance (1 of 4 stars; one submission).

Conditions:
Bardet-Biedl syndrome (BBS). Identifiers: Orphanet 110, MedGen C0752166, MONDO:0015229.

Allele frequency attached by ClinVar (database versions not stated): gnomAD exomes below 0.00001; ExAC 0.00001; ESP Exome Variant Server 0.00008.

Submission:

Labcorp Genetics (formerly Invitae), Labcorp
Classification: Uncertain significance for Bardet-Biedl syndrome. Last evaluated: 2020-10-08. Review status: criteria provided, single submitter. Criteria: Invitae Variant Classification Sherloc (09022015). Collection method: clinical testing. Allele origin: germline.
Comment: Algorithms developed to predict the effect of missense changes on protein structure and function (SIFT, PolyPhen-2, Align-GVGD) all suggest that this variant is likely to be tolerated, but these predictions have not been confirmed by published functional studies and their clinical significance is uncertain. This sequence change replaces threonine with serine at codon 380 of the TRIM32 protein (p.Thr380Ser). The threonine residue is highly conserved and there is a small physicochemical difference between threonine and serine. This variant is present in population databases (rs139277710, ExAC 0.01%). This variant has not been reported in the literature in individuals with TRIM32-related conditions. In summary, the available evidence is currently insufficient to determine the role of this variant in disease. Therefore, it has been classified as a Variant of Uncertain Significance.